The following is an entry in ClinVar:

NM_000218.3(KCNQ1):c.491T>C (p.Val164Ala)

Gene: KCNQ1 (potassium voltage-gated channel subfamily Q member 1; plus strand). Cytogenetic location: 11p15.5.
Variant type: single nucleotide variant.
Coding change: c.491T>C on transcript NM_000218.3 (MANE Select); coding-DNA position 491, T replaced by C.
Protein change: p.Val164Ala; replaces valine 164 with alanine.
Molecular consequence: missense variant.
Genome position (GRCh38, 1-based): chr11:2,570,641, T>C. VCF-style: chr11-2570641-T-C. GRCh37 (hg19) VCF-style: chr11-2591871-T-C.
Other names: c.491T>C, p.Val164Ala (NM_001406836.1); c.221T>C, p.Val74Ala (NM_001406837.1); c.110T>C, p.Val37Ala (NM_181798.2); short protein forms V164A, V37A, V74A.
Identifiers: ClinVar variation 922815 (VCV000922815.13), dbSNP rs1848316801, ClinGen allele CA379129817.

ClinVar aggregate classification (germline): Uncertain significance. Review status: criteria provided, multiple submitters, no conflicts (2 of 4 stars). 3 submissions from 3 submitters: Uncertain significance (3). Last evaluated 2024-06-09.

Conditions:
Cardiac arrhythmia. Also called: Arrhythmia; Cardiac rhythm disease. Identifiers: MedGen C0003811, MONDO:0007263, HP:0011675.
Long QT syndrome (LQTS). Identifiers: MedGen C0023976, MeSH D008133, MONDO:0002442. Disease mechanism: loss of function. Inheritance: Various modes of inheritance.

Allele frequency attached by ClinVar (database versions not stated): TOPMed below 0.00001.

Submissions (3):

All of Us Research Program, National Institutes of Health
Classification: Uncertain significance for Long QT syndrome. Last evaluated: 2024-06-09. Review status: criteria provided, single submitter. Criteria: ACMG Guidelines, 2015. Collection method: clinical testing. Allele origin: germline. Inheritance: Autosomal dominant inheritance. Observed: 1 variant allele, 1 heterozygote.
Comment: This missense variant replaces valine with alanine at codon 164 of the KCNQ1 protein. This variant is found within the highly conserved transmembrane domain S2 (a.a. 148-168). Rare non-truncating variants in this region have been shown to be significantly overrepresented in individuals with long QT syndrome (PMID: 32893267). Computational prediction suggests that this variant may have deleterious impact on protein structure and function (internally defined REVEL score threshold >= 0.7, PMID: 27666373). To our knowledge, functional studies have not been reported for this variant. This variant has not been reported in individuals affected with KCNQ1-related disorders in the literature. This variant has not been identified in the general population by the Genome Aggregation Database (gnomAD). The available evidence is insufficient to determine the role of this variant in disease conclusively. Therefore, this variant is classified as a Variant of Uncertain Significance.

This study involves interpretation of variants in research participants for the purpose of population health screening. Participant phenotype was not available at the time of variant classification. Additional details can be found in publication PMID: 35346344, PMCID: PMC8962531

Color Diagnostics, LLC DBA Color Health
Classification: Uncertain significance for Cardiac arrhythmia. Last evaluated: 2024-05-07. Review status: criteria provided, single submitter. Criteria: ACMG Guidelines, 2015. Collection method: clinical testing. Allele origin: germline.
Comment: This missense variant replaces valine with alanine at codon 164 of the KCNQ1 protein. This variant is found within the highly conserved transmembrane domain S2 (a.a. 148-168). Rare non-truncating variants in this region have been shown to be significantly overrepresented in individuals with long QT syndrome (PMID: 32893267). Computational prediction suggests that this variant may have deleterious impact on protein structure and function (internally defined REVEL score threshold >= 0.7, PMID: 27666373). To our knowledge, functional studies have not been reported for this variant. This variant has not been reported in individuals affected with KCNQ1-related disorders in the literature. This variant has not been identified in the general population by the Genome Aggregation Database (gnomAD). The available evidence is insufficient to determine the role of this variant in disease conclusively. Therefore, this variant is classified as a Variant of Uncertain Significance.

Labcorp Genetics (formerly Invitae), Labcorp
Classification: Uncertain significance for Long QT syndrome. Last evaluated: 2023-11-05. Review status: criteria provided, single submitter. Criteria: Invitae Variant Classification Sherloc (09022015). Collection method: clinical testing. Allele origin: germline.
Comment: This sequence change replaces valine, which is neutral and non-polar, with alanine, which is neutral and non-polar, at codon 164 of the KCNQ1 protein (p.Val164Ala). This variant is not present in population databases (gnomAD no frequency). This variant has not been reported in the literature in individuals affected with KCNQ1-related conditions. ClinVar contains an entry for this variant (Variation ID: 922815). Advanced modeling of protein sequence and biophysical properties (such as structural, functional, and spatial information, amino acid conservation, physicochemical variation, residue mobility, and thermodynamic stability) performed at Invitae indicates that this missense variant is expected to disrupt KCNQ1 protein function with a positive predictive value of 95%. In summary, the available evidence is currently insufficient to determine the role of this variant in disease. Therefore, it has been classified as a Variant of Uncertain Significance.

Literature cited by the submitters: PubMed 32893267 (cited by All of Us Research Program, National Institutes of Health and Color Diagnostics, LLC DBA Color Health).